The following is an entry in ClinVar:

NM_020937.4(FANCM):c.2260C>T (p.Arg754Ter)

Gene: FANCM (FA complementation group M; plus strand). Cytogenetic location: 14q21.2.
Variant type: single nucleotide variant.
Coding change: c.2260C>T on transcript NM_020937.4 (MANE Select); coding-DNA position 2260, C replaced by T.
Protein change: p.Arg754Ter; replaces arginine 754 with a stop codon.
Molecular consequence: nonsense.
Genome position (GRCh38, 1-based): chr14:45,173,154, C>T. VCF-style: chr14-45173154-C-T. GRCh37 (hg19) VCF-style: chr14-45642357-C-T.
Other names: c.2182C>T, p.Arg728Ter (NM_001308133.2); short protein forms R754*, R728*.
Identifiers: ClinVar variation 2177750 (VCV002177750.5), dbSNP rs778176467, ClinGen allele CA7169301.

ClinVar aggregate classification (germline): Pathogenic/Likely pathogenic. Review status: criteria provided, multiple submitters, no conflicts (2 of 4 stars). 2 submissions from 2 submitters: Pathogenic (1); Likely pathogenic (1). Last evaluated 2023-01-26.

Conditions:
Fanconi anemia (FA). Also called: Fanconi's anemia. Identifiers: Orphanet 84, MedGen C0015625, MeSH D005199, MONDO:0019391.

Allele frequency attached by ClinVar (database versions not stated): gnomAD exomes 0.00001; ExAC 0.00002; gnomAD 0.00002; TOPMed 0.00002.
gnomAD v4.1: 11 of 1,613,470 alleles (0.00068%); highest among the groups gnomAD compares: Admixed American, 0.01%; no homozygotes.

Submissions (2):

GeneDx
Classification: Likely pathogenic. Last evaluated: 2023-01-26. Review status: criteria provided, single submitter. Criteria: GeneDx Variant Classification Process June 2021. Collection method: clinical testing. Allele origin: germline. Affected: yes.
Comment: Nonsense variant predicted to result in protein truncation or nonsense mediated decay in a gene for which loss of function is a known mechanism of disease; Not observed at significant frequency in large population cohorts (gnomAD); Observed in individuals with breast cancer (Figlioli et al., 2020); This variant is associated with the following publications: (PMID: 34426522, 31991861, 33804961)

Labcorp Genetics (formerly Invitae), Labcorp
Classification: Pathogenic for Fanconi anemia. Last evaluated: 2022-02-09. Review status: criteria provided, single submitter. Criteria: Invitae Variant Classification Sherloc (09022015). Collection method: clinical testing. Allele origin: germline.
Comment: This sequence change creates a premature translational stop signal (p.Arg754*) in the FANCM gene. It is expected to result in an absent or disrupted protein product. Loss-of-function variants in FANCM are known to be pathogenic (PMID: 29895858, 30075111). This variant is present in population databases (rs778176467, gnomAD 0.01%). For these reasons, this variant has been classified as Pathogenic. This premature translational stop signal has been observed in individual(s) with breast cancer (PMID: 31991861).

Literature cited by the submitters: PubMed 29895858 (cited by Labcorp Genetics (formerly Invitae), Labcorp); PubMed 30075111 (cited by Labcorp Genetics (formerly Invitae), Labcorp); PubMed 31991861 (cited by Labcorp Genetics (formerly Invitae), Labcorp).